The following is an entry in ClinVar:

NM_020832.3(ZNF687):c.1672C>T (p.Arg558Cys)

Gene: ZNF687 (zinc finger protein 687; plus strand). Cytogenetic location: 1q21.3.
Variant type: single nucleotide variant.
Coding change: c.1672C>T on transcript NM_020832.3 (MANE Select); coding-DNA position 1672, C replaced by T.
Protein change: p.Arg558Cys; replaces arginine 558 with cysteine.
Molecular consequence: missense variant.
Genome position (GRCh38, 1-based): chr1:151,287,963, C>T. VCF-style: chr1-151287963-C-T. GRCh37 (hg19) VCF-style: chr1-151260439-C-T.
Other names: c.1672C>T, p.Arg558Cys (NM_001304763.2, NM_001304764.2); c.1672C>T (NM_020832.1); short protein forms R558C.
Identifiers: ClinVar variation 2959023 (VCV002959023.4), dbSNP rs773083699, ClinGen allele CA1088370.

ClinVar aggregate classification (germline): Uncertain significance. Review status: criteria provided, multiple submitters, no conflicts (2 of 4 stars). 2 submissions from 2 submitters: Uncertain significance (2). Last evaluated 2025-08-25.

Allele frequency attached by ClinVar (database versions not stated): ExAC 0.00001; gnomAD 0.00001; gnomAD exomes 0.00001; TOPMed 0.00001.
gnomAD v4.1: 14 of 1,613,764 alleles (0.00087%); highest among the groups gnomAD compares: African/African-American, 0.0027%; no homozygotes.

Submissions (2):

Ambry Genetics
Classification: Uncertain significance. Last evaluated: 2025-08-25. Review status: criteria provided, single submitter. Criteria: Ambry Variant Classification Scheme 2023. Collection method: clinical testing. Allele origin: germline.

Labcorp Genetics (formerly Invitae), Labcorp
Classification: Uncertain significance. Last evaluated: 2023-07-24. Review status: criteria provided, single submitter. Criteria: Invitae Variant Classification Sherloc (09022015). Collection method: clinical testing. Allele origin: germline.
Comment: This sequence change replaces arginine, which is basic and polar, with cysteine, which is neutral and slightly polar, at codon 558 of the ZNF687 protein (p.Arg558Cys). This variant is present in population databases (rs773083699, gnomAD 0.01%). This variant has not been reported in the literature in individuals affected with ZNF687-related conditions. An algorithm developed to predict the effect of missense changes on protein structure and function (PolyPhen-2) suggests that this variant is likely to be disruptive. In summary, the available evidence is currently insufficient to determine the role of this variant in disease. Therefore, it has been classified as a Variant of Uncertain Significance.